The following is an entry in ClinVar:

ClinVar aggregate classification (germline): Benign/Likely benign. Review status: criteria provided, multiple submitters, no conflicts (2 of 4 stars). 13 submissions from 12 submitters: Benign (11); Likely benign (2). Last evaluated 2026-09-01.

Conditions:
Autosomal dominant cerebellar ataxia. Also called: Spinocerebellar Ataxia, Dominant. Identifiers: Orphanet 99, MedGen C4087347, MONDO:0020380.
Charcot-Marie-Tooth disease axonal type 2O. Also called: Charcot-Marie-Tooth Neuropathy Type 2O; CHARCOT-MARIE-TOOTH NEUROPATHY, AXONAL, TYPE 2O; CHARCOT-MARIE-TOOTH DISEASE, AXONAL, AUTOSOMAL DOMINANT, TYPE 2O; Charcot-Marie-Tooth disease, axonal, type 20. Identifiers: Orphanet 284232, MedGen C3280220, MONDO:0013644, OMIM 614228.
Inborn genetic diseases. Identifiers: MedGen C0950123, MeSH D030342.
Charcot-Marie-Tooth disease. Also called: Charcot-Marie-Tooth Neuropathy; Charcot-Marie-Tooth Hereditary Neuropathy. Identifiers: Orphanet 166, MedGen C0007959, MONDO:0015626.

Allele frequency attached by ClinVar (database versions not stated): ESP Exome Variant Server 0.00492; gnomAD exomes 0.00050 and 0.00110; ExAC 0.00127; 1000 Genomes Project 0.00399; gnomAD 0.00418 and 0.00451; 1000 Genomes Project 30x 0.00453; TOPMed 0.00480.
gnomAD v4.1: 1,366 of 1,614,164 alleles (0.085%); highest among the groups gnomAD compares: African/African-American, 1.5%; 11 homozygotes.

Submissions (13):

CeGaT Center for Human Genetics Tuebingen
Classification: Likely benign. Last evaluated: 2026-09-01. Review status: criteria provided, single submitter. Criteria: CeGaT Center For Human Genetics Tuebingen Variant Classification Criteria Version 2. Collection method: clinical testing. Allele origin: germline. Affected: yes. Observed: 9 variant alleles.
Comment: DYNC1H1: BP4, BP7, BS1

Labcorp Genetics (formerly Invitae), Labcorp
Classification: Benign for Charcot-Marie-Tooth disease axonal type 2O. Last evaluated: 2026-02-03. Review status: criteria provided, single submitter. Criteria: Invitae Variant Classification Sherloc (09022015). Collection method: clinical testing. Allele origin: germline.

ARUP Laboratories, Molecular Genetics and Genomics, ARUP Laboratories
Classification: Benign. Last evaluated: 2025-07-17. Review status: criteria provided, single submitter. Criteria: ARUP Molecular Germline Variant Investigation Process 2024. Collection method: clinical testing. Allele origin: germline.

Blueprint Genetics
Classification: Likely benign. Last evaluated: 2024-10-29. Review status: criteria provided, single submitter. Criteria: ACMG Guidelines, 2015. Collection method: clinical testing. Allele origin: germline.

Illumina Laboratory Services, Illumina
Classification: Benign for Charcot-Marie-Tooth disease axonal type 2O. Last evaluated: 2018-01-13. Review status: criteria provided, single submitter. Criteria: ICSL Variant Classification Criteria 13 December 2019. Collection method: clinical testing. Allele origin: germline.
Comment: This variant was observed in the ICSL laboratory as part of a predisposition screen in an ostensibly healthy population. It had not been previously curated by ICSL or reported in the Human Gene Mutation Database (HGMD: prior to June 1st, 2018), and was therefore a candidate for classification through an automated scoring system. Utilizing variant allele frequency, disease prevalence and penetrance estimates, and inheritance mode, an automated score was calculated to assess if this variant is too frequent to cause the disease. Based on the score and internal cut-off values, a variant classified as benign is not then subjected to further curation. The score for this variant resulted in a classification of benign for this disease.

Illumina Laboratory Services, Illumina
Classification: Benign for Spinocerebellar Ataxia, Dominant. Last evaluated: 2018-01-13. Review status: criteria provided, single submitter. Criteria: ICSL Variant Classification Criteria 13 December 2019. Collection method: clinical testing. Allele origin: germline.
Comment: the same text as in the submission from Illumina Laboratory Services, Illumina above.

Athena Diagnostics
Classification: Benign. Last evaluated: 2017-09-07. Review status: criteria provided, single submitter. Criteria: Athena Diagnostics Criteria. Collection method: clinical testing. Allele origin: germline.

GeneDx
Classification: Benign. Last evaluated: 2016-12-16. Review status: criteria provided, single submitter. Criteria: GeneDx Variant Classification (06012015). Collection method: clinical testing. Allele origin: germline. Affected: yes.
Comment: This variant is considered likely benign or benign based on one or more of the following criteria: it is a conservative change, it occurs at a poorly conserved position in the protein, it is predicted to be benign by multiple in silico algorithms, and/or has population frequency not consistent with disease.

Mayo Clinic Laboratories, Mayo Clinic
Classification: Benign. Last evaluated: 2016-10-20. Review status: criteria provided, single submitter. Criteria: ACMG Guidelines, 2015. Collection method: clinical testing. Allele origin: germline. Observed: 5 variant alleles.

Ambry Genetics
Classification: Benign for Inborn genetic diseases. Last evaluated: 2016-04-15. Review status: criteria provided, single submitter. Criteria: Ambry Variant Classification Scheme 2023. Collection method: clinical testing. Allele origin: germline.

Genetic Services Laboratory, University of Chicago
Classification: Benign. Last evaluated: 2015-09-17. Review status: criteria provided, single submitter. Criteria: ACMG Guidelines, 2015. Collection method: clinical testing. Allele origin: germline. Affected: no.

Breakthrough Genomics
Classification: Benign. Review status: criteria provided, single submitter. Criteria: ACMG Guidelines, 2015. Collection method: not provided. Allele origin: germline. Inheritance: Autosomal dominant inheritance. Affected: yes.

Molecular Genetics Laboratory, London Health Sciences Centre
Classification: Benign for Charcot-Marie-Tooth disease. Review status: criteria provided, single submitter. Criteria: ACMG Guidelines, 2015. Collection method: clinical testing. Allele origin: germline. Affected: yes.

NM_001376.5(DYNC1H1):c.11685C>T (p.Thr3895=)

Gene: DYNC1H1 (dynein cytoplasmic 1 heavy chain 1; plus strand). Cytogenetic location: 14q32.31.
Variant type: single nucleotide variant.
Coding change: c.11685C>T on transcript NM_001376.5 (MANE Select); coding-DNA position 11685, C replaced by T.
Protein change: p.Thr3895=; no amino-acid change (threonine 3895 retained).
Molecular consequence: synonymous variant.
Genome position (GRCh38, 1-based): chr14:102,039,727, C>T. VCF-style: chr14-102039727-C-T. GRCh37 (hg19) VCF-style: chr14-102506064-C-T.
Other names: p.Thr3895=.
Identifiers: ClinVar variation 210863 (VCV000210863.55), dbSNP rs17541519, ClinGen allele CA205119.
Genomic context (GRCh38, chr14:102,039,727, plus strand): 5'-GCTGCATCAGGACCACATTACCTTTGCCATGCTGCTGGCAAGAATCAAACTGAAGGGCAC[C>T]GTGGGGTAAGAGCACTCACGCCCACAGGAGGATGCCATATTGCTGGTGGCCCCCAAGGGT-3'
Protein context (NP_001367.2, residues 3885-3905): MLLARIKLKG[Thr3895=]VGEPTYDAEF